The following is an entry in ClinVar:

NM_014738.6(TMEM94):c.1618G>A (p.Asp540Asn)

Gene: TMEM94 (transmembrane protein 94; plus strand). Cytogenetic location: 17q25.1.
Variant type: single nucleotide variant.
Coding change: c.1618G>A on transcript NM_014738.6 (MANE Select); coding-DNA position 1618, G replaced by A.
Protein change: p.Asp540Asn; replaces aspartic acid 540 with asparagine.
Molecular consequence: missense variant.
Genome position (GRCh38, 1-based): chr17:75,492,495, G>A. VCF-style: chr17-75492495-G-A. GRCh37 (hg19) VCF-style: chr17-73488576-G-A.
Other names: c.1648G>A, p.Asp550Asn (NM_001321148.2, NM_001351203.2); c.1630G>A, p.Asp544Asn (NM_001321149.2); c.1570G>A, p.Asp524Asn (NM_001351202.2); c.1618G>A (NM_014738.5); short protein forms D540N, D524N, D544N, D550N.
Identifiers: ClinVar variation 2480130 (VCV002480130.3), dbSNP rs74894686, ClinGen allele CA8761924.

ClinVar aggregate classification (germline): Uncertain significance. Review status: criteria provided, multiple submitters, no conflicts (2 of 4 stars). 2 submissions from 2 submitters: Uncertain significance (2). Last evaluated 2024-01-17.

Conditions:
Inborn genetic diseases. Identifiers: MedGen C0950123, MeSH D030342.

Allele frequency attached by ClinVar (database versions not stated): gnomAD 0.00004; ExAC 0.00006; 1000 Genomes Project 30x 0.00016; 1000 Genomes Project 0.00020.
gnomAD v4.1: 56 of 1,594,720 alleles (0.0035%); highest among the groups gnomAD compares: East Asian, 0.038%; no homozygotes.

Submissions (2):

GeneDx
Classification: Uncertain significance. Last evaluated: 2024-01-17. Review status: criteria provided, single submitter. Criteria: GeneDx Variant Classification Process June 2021. Collection method: clinical testing. Allele origin: germline. Affected: yes.
Comment: In silico analysis supports that this missense variant does not alter protein structure/function; Has not been previously published as pathogenic or benign to our knowledge

Ambry Genetics
Classification: Uncertain significance for Inborn genetic diseases. Last evaluated: 2023-01-31. Review status: criteria provided, single submitter. Criteria: Ambry Variant Classification Scheme 2023. Collection method: clinical testing. Allele origin: germline.